The following is an entry in ClinVar:

ClinVar aggregate classification (germline): Benign/Likely benign. Review status: criteria provided, multiple submitters, no conflicts (2 of 4 stars). 9 submissions from 9 submitters: Benign (1); Likely benign (8). Last evaluated 2026-03-27.

Conditions:
Congenital myasthenic syndrome 10. Also called: Myasthenia, limb-girdle, familial. Identifiers: Orphanet 590, MedGen C1850792, MONDO:0009690, OMIM 254300.
Fetal akinesia deformation sequence 1 (FADS1). Also called: Fetal akinesia sequence; Pena-Shokeir syndrome type I. Identifiers: Orphanet 994, MedGen C1276035, MONDO:0100101, OMIM 208150, HP:0001989.

Allele frequency attached by ClinVar (database versions not stated): gnomAD exomes 0.00031 and 0.00071; 1000 Genomes Project 0.00120; ExAC 0.00123; 1000 Genomes Project 30x 0.00156; gnomAD 0.00160 and 0.00170; TOPMed 0.00169; ESP Exome Variant Server 0.00248.
gnomAD v4.1: 712 of 1,574,742 alleles (0.045%); highest among the groups gnomAD compares: Middle Eastern, 0.81%; 3 homozygotes.

Submissions (9):

Women's Health and Genetics/Laboratory Corporation of America, LabCorp
Classification: Likely benign. Last evaluated: 2026-03-27. Review status: criteria provided, single submitter. Criteria: LabCorp Variant Classification Summary - May 2015. Collection method: clinical testing. Allele origin: germline.

Labcorp Genetics (formerly Invitae), Labcorp
Classification: Benign for Congenital myasthenic syndrome 10; Fetal akinesia deformation sequence 1. Last evaluated: 2026-01-28. Review status: criteria provided, single submitter. Criteria: Invitae Variant Classification Sherloc (09022015). Collection method: clinical testing. Allele origin: germline.

CeGaT Center for Human Genetics Tuebingen
Classification: Likely benign. Last evaluated: 2025-10-01. Review status: criteria provided, single submitter. Criteria: CeGaT Center For Human Genetics Tuebingen Variant Classification Criteria Version 2. Collection method: clinical testing. Allele origin: germline. Affected: yes. Observed: 1 variant allele.
Comment: DOK7: BP4, BP7

Blueprint Genetics
Classification: Likely benign. Last evaluated: 2024-10-25. Review status: criteria provided, single submitter. Criteria: ACMG Guidelines, 2015. Collection method: clinical testing. Allele origin: germline.

GeneDx
Classification: Likely benign. Last evaluated: 2020-12-14. Review status: criteria provided, single submitter. Criteria: GeneDx Variant Classification Process June 2021. Collection method: clinical testing. Allele origin: germline. Affected: yes.

Genetic Services Laboratory, University of Chicago
Classification: Likely benign. Last evaluated: 2016-08-22. Review status: criteria provided, single submitter. Criteria: ACMG Guidelines, 2015. Collection method: clinical testing. Allele origin: germline. Affected: no.

Eurofins Ntd Llc (ga)
Classification: Likely benign. Last evaluated: 2016-06-07. Review status: criteria provided, single submitter. Criteria: EGL Classification Definitions 2015. Collection method: clinical testing. Allele origin: germline. Observed: 2 variant alleles, 2 heterozygotes.

Breakthrough Genomics
Classification: Likely benign. Review status: criteria provided, single submitter. Criteria: ACMG Guidelines, 2015. Collection method: not provided. Allele origin: germline. Inheritance: Autosomal recessive inheritance. Affected: yes.

PreventionGenetics, part of Exact Sciences
Classification: Likely benign. Review status: criteria provided, single submitter. Criteria: ACMG Guidelines, 2015. Collection method: clinical testing. Allele origin: germline.

NM_173660.5(DOK7):c.921C>T (p.Ala307=)

Gene: DOK7 (docking protein 7; plus strand). Cytogenetic location: 4p16.3.
Variant type: single nucleotide variant.
Coding change: c.921C>T on transcript NM_173660.5 (MANE Select); coding-DNA position 921, C replaced by T.
Protein change: p.Ala307=; no amino-acid change (alanine 307 retained).
Molecular consequence: synonymous variant. On other transcripts: 3 prime UTR variant (1), 5 prime UTR variant (1).
Genome position (GRCh38, 1-based): chr4:3,492,907, C>T. VCF-style: chr4-3492907-C-T. GRCh37 (hg19) VCF-style: chr4-3494634-C-T.
Other names: c.*142C>T (NM_001164673.2); c.-10C>T (NM_001256896.2); c.921C>T, p.Ala307= (NM_001301071.2); c.489C>T, p.Ala163= (NM_001363811.2).
Identifiers: ClinVar variation 262891 (VCV000262891.36), dbSNP rs138148221, ClinGen allele CA2829288.